The following is an entry in ClinVar:

ClinVar aggregate classification (germline): Uncertain significance (1 of 4 stars; one submission).

Submission:

Labcorp Genetics (formerly Invitae), Labcorp
Classification: Uncertain significance. Last evaluated: 2024-04-22. Review status: criteria provided, single submitter. Criteria: Invitae Variant Classification Sherloc (09022015). Collection method: clinical testing. Allele origin: germline.
Comment: This sequence change creates a premature translational stop signal (p.Leu19Serfs*58) in the POLD2 gene. It is expected to result in an absent or disrupted protein product. However, the current clinical and genetic evidence is not sufficient to establish whether loss-of-function variants in POLD2 cause disease. This variant is not present in population databases (gnomAD no frequency). This variant has not been reported in the literature in individuals affected with POLD2-related conditions. In summary, the available evidence is currently insufficient to determine the role of this variant in disease. Therefore, it has been classified as a Variant of Uncertain Significance.

NM_006230.4(POLD2):c.-51del

Gene: POLD2 (DNA polymerase delta 2, accessory subunit; minus strand). Cytogenetic location: 7p13.
Variant type: Deletion.
Coding change: c.-51del on transcript NM_006230.4 (MANE Select); 51 bases upstream of the start codon, one base deleted (C; older notation c.-51delC).
Molecular consequence: 5 prime UTR variant.
Genome position (GRCh38, 1-based): chr7:44,122,104, G deleted on the plus strand (C on the coding strand, the reverse complement: POLD2 is on the minus strand); the first of 2 consecutive G bases (chr7:44,122,104-44,122,105); deleting either gives the same sequence. VCF-style (leftmost placement, unchanged base first): chr7-44122103-AG-A. GRCh37 (hg19) VCF-style: chr7-44161702-AG-A.
Other names: c.-51del (NM_001127218.3, NM_001256879.2).
Identifiers: ClinVar variation 3701757 (VCV003701757.2).